The following is an entry in ClinVar:

NM_001267550.2(TTN):c.73185T>C (p.Tyr24395=)

Genes: TTN (titin; minus strand), TTN-AS1 (TTN antisense RNA 1; plus strand). Cytogenetic location: 2q31.2.
Variant type: single nucleotide variant.
Coding change: c.73185T>C on transcript NM_001267550.2 (MANE Select); coding-DNA position 73185, T replaced by C.
Protein change: p.Tyr24395=; no amino-acid change (tyrosine 24395 retained).
Molecular consequence: synonymous variant.
Genome position (GRCh38, 1-based): chr2:178,572,947, A>G on the plus strand (T>C on the coding strand, the complement: TTN is on the minus strand). VCF-style: chr2-178572947-A-G. GRCh37 (hg19) VCF-style: chr2-179437674-A-G.
Other names: c.68262T>C, p.Tyr22754= (NM_001256850.1); c.45990T>C, p.Tyr15330= (NM_003319.4); c.65481T>C, p.Tyr21827= (NM_133378.4); c.46365T>C, p.Tyr15455= (NM_133432.3); c.46566T>C, p.Tyr15522= (NM_133437.4).
Identifiers: ClinVar variation 1649478 (VCV001649478.31), dbSNP rs794729283, ClinGen allele CA430256287.

ClinVar aggregate classification (germline): Likely benign. Review status: criteria provided, multiple submitters, no conflicts (2 of 4 stars). 2 submissions from 2 submitters: Likely benign (2). Last evaluated 2023-11-01.

Conditions:
Dilated cardiomyopathy 1G (CMD1G). Identifiers: Orphanet 154, MedGen C1858763, MONDO:0011400, OMIM 604145.
Autosomal recessive limb-girdle muscular dystrophy type 2J (LGMDR10). Also called: Limb-girdle muscular dystrophy, type 2J; MUSCULAR DYSTROPHY, LIMB-GIRDLE, AUTOSOMAL RECESSIVE 10. Identifiers: Orphanet 140922, MedGen C1837342, MONDO:0012127, OMIM 608807.

Allele frequency attached by ClinVar (database versions not stated): gnomAD 0.00001.
gnomAD v4.1: 1 of 1,613,120 alleles (0.000062%); highest among the groups gnomAD compares: African/African-American, 0.0013%; no homozygotes.

Submissions (2):

CeGaT Center for Human Genetics Tuebingen
Classification: Likely benign. Last evaluated: 2023-11-01. Review status: criteria provided, single submitter. Criteria: CeGaT Center For Human Genetics Tuebingen Variant Classification Criteria Version 2. Collection method: clinical testing. Allele origin: germline. Affected: yes. Observed: 1 variant allele.
Comment: TTN: BP4, BP7

Labcorp Genetics (formerly Invitae), Labcorp
Classification: Likely benign for Dilated cardiomyopathy 1G; Autosomal recessive limb-girdle muscular dystrophy type 2J. Last evaluated: 2021-04-14. Review status: criteria provided, single submitter. Criteria: Invitae Variant Classification Sherloc (09022015). Collection method: clinical testing. Allele origin: germline.